The following is an entry in ClinVar:

ClinVar aggregate classification (germline): Uncertain significance (1 of 4 stars; one submission).

Allele frequency attached by ClinVar (database versions not stated): ExAC 0.00005; gnomAD exomes 0.00006; ESP Exome Variant Server 0.00008; TOPMed 0.00008; gnomAD 0.00010.

Submission:

Labcorp Genetics (formerly Invitae), Labcorp
Classification: Uncertain significance. Last evaluated: 2025-04-30. Review status: criteria provided, single submitter. Criteria: Invitae Variant Classification Sherloc (09022015). Collection method: clinical testing. Allele origin: germline.
Comment: This sequence change replaces alanine, which is neutral and non-polar, with valine, which is neutral and non-polar, at codon 42 of the DSCAML1 protein (p.Ala42Val). This variant is present in population databases (rs150187374, gnomAD 0.01%). This variant has not been reported in the literature in individuals affected with DSCAML1-related conditions. ClinVar contains an entry for this variant (Variation ID: 2180124). Experimental studies and prediction algorithms are not available or were not evaluated, and the functional significance of this variant is currently unknown. In summary, the available evidence is currently insufficient to determine the role of this variant in disease. Therefore, it has been classified as a Variant of Uncertain Significance.

NM_020693.4(DSCAML1):c.-56C>T

Gene: DSCAML1 (DS cell adhesion molecule like 1; minus strand). Cytogenetic location: 11q23.3.
Variant type: single nucleotide variant.
Coding change: c.-56C>T on transcript NM_020693.4 (MANE Select); 56 bases upstream of the start codon, C replaced by T.
Molecular consequence: 5 prime UTR variant. On other transcripts: intron variant (1).
Genome position (GRCh38, 1-based): chr11:117,797,135, G>A on the plus strand (C>T on the coding strand, the complement: DSCAML1 is on the minus strand). VCF-style: chr11-117797135-G-A. GRCh37 (hg19) VCF-style: chr11-117667850-G-A.
Other names: c.-56C>T (NM_001367904.1); c.-362-16325C>T (NM_001367905.1).
Identifiers: ClinVar variation 2180124 (VCV002180124.4), dbSNP rs150187374, ClinGen allele CA6297696.